The following is an entry in ClinVar:

ClinVar aggregate classification (germline): Pathogenic/Likely pathogenic. Review status: criteria provided, multiple submitters, no conflicts (2 of 4 stars). 6 submissions from 6 submitters: Pathogenic (4); Likely pathogenic (1). 1 of the submissions does not count toward it. Last evaluated 2026-09-29.

Conditions:
Inherited breast cancer and ovarian cancer.
Hereditary cancer-predisposing syndrome. Also called: Neoplastic Syndromes, Hereditary; Hereditary Cancer Syndrome; Tumor predisposition; Hereditary neoplastic syndrome. Identifiers: Orphanet 140162, MedGen C0027672, MeSH D009386, MONDO:0015356.
Hereditary breast ovarian cancer syndrome. Also called: Hereditary breast and ovarian cancer syndrome (HBOC); Breast and ovarian cancer; Hereditary breast and ovarian cancer; BRCA1- and BRCA2-Associated Hereditary Breast and Ovarian Cancer; Hereditary breast and/or ovarian cancer syndrome; Hereditary breast and ovarian cancer syndrome. Identifiers: Orphanet 145, MedGen C0677776, MeSH D061325, MONDO:0003582. Disease mechanism: loss of function.
Breast-ovarian cancer, familial, susceptibility to, 2 (BROVCA2). Also called: BRCA2 Hereditary Breast and Ovarian Cancer. Identifiers: Orphanet 145, MedGen C2675520, MONDO:0012933, OMIM 612555. Disease mechanism: loss of function.
Familial cancer of breast. Also called: hereditary breast carcinoma; Hereditary breast cancer; BREAST CANCER, FAMILIAL. Identifiers: Orphanet 227535, MedGen C0346153, MONDO:0016419, OMIM 114480. Disease mechanism: loss of function.

Submissions (6):

Cambridge Genomics Laboratory, East Genomic Laboratory Hub, NHS Genomic Medicine Service
Classification: Pathogenic for Inherited breast cancer and ovarian cancer. Last evaluated: 2026-09-29. Review status: criteria provided, single submitter. Criteria: ACGS Best Practice Guidelines for Variant Classification in Rare Disease 2020. Collection method: clinical testing. Allele origin: germline. Affected: yes.
Comment: PS3,PM2,PP3,PP4_Strong

Labcorp Genetics (formerly Invitae), Labcorp
Classification: Pathogenic for Hereditary breast ovarian cancer syndrome. Last evaluated: 2023-12-21. Review status: criteria provided, single submitter. Criteria: Invitae Variant Classification Sherloc (09022015). Collection method: clinical testing. Allele origin: germline.
Comment: This sequence change replaces aspartic acid, which is acidic and polar, with glutamic acid, which is acidic and polar, at codon 3095 of the BRCA2 protein (p.Asp3095Glu). This variant is not present in population databases (gnomAD no frequency). A different variant (c.9285C>G) giving rise to the same protein effect has been determined to be pathogenic (PMID: 17924331, 18451181, 18951446, 21990134, 22678057, 23108138). This suggests that this variant is also likely to be causative of disease. ClinVar contains an entry for this variant (Variation ID: 252859). Advanced modeling performed at Invitae incorporating data from internal and/or published experimental studies (PMID: 33609447) indicates that this missense variant is expected to disrupt BRCA2 function with a positive predictive value of 95%. Experimental studies have shown that this missense change affects BRCA2 function (PMID: 32444794). For these reasons, this variant has been classified as Pathogenic.

Baylor Genetics
Classification: Pathogenic for Familial cancer of breast. Last evaluated: 2022-05-19. Review status: criteria provided, single submitter. Criteria: ACMG Guidelines, 2015. Collection method: clinical testing. Allele origin: unknown.

MGZ Medical Genetics Center
Classification: Likely pathogenic for Breast-ovarian cancer, familial, susceptibility to, 2. Last evaluated: 2022-01-17. Review status: criteria provided, single submitter. Criteria: ACMG Guidelines, 2015. Collection method: clinical testing. Allele origin: germline. Affected: yes. Observed: 3 variant alleles.
Comment: ACMG criteria applied: PS1, PM2_SUP, PP3

Color Diagnostics, LLC DBA Color Health
Classification: Pathogenic for Hereditary cancer-predisposing syndrome. Last evaluated: 2020-02-07. Review status: criteria provided, single submitter. Criteria: ACMG Guidelines, 2015. Collection method: clinical testing. Allele origin: germline.
Comment: This missense variant replaces aspartic acid with glutamic acid at codon 3095 of the BRCA2 protein. Computational prediction is inconclusive regarding the impact of this variant on protein structure and function (internally defined REVEL score threshold 0.5 < inconclusive < 0.7, PMID: 27666373). Splice site prediction tools suggest that this variant may not impact RNA splicing. This variant has not been identified in the general population by the Genome Aggregation Database (gnomAD). While this particular variant has not been reported in the literature, a different variant (c.9285C>G) resulting in the same protein effect has been shown to disrupt homology-directed DNA repair activity (PMID: 18451181, 23108138, 29884841) and to fail to complement cell lethality phenotype induced by loss of BRCA2 in mouse embryonic stem cell-based assays (PMID: 24323938, 29988080). c.9285C>G has also been reported in many individuals affected with breast cancer (PMID: 16875939, 18951446, 28477318, 30728895) and prostate cancer (PMID: 29368341, 29439820, 29983880, 30293905). In addition, several multifactorial likelihood models using health history, in silico, and experimental data have suggested p.Asp3095Glu have a high probability of being pathogenic (PMID: 17924331, 19043619, 21990134, 25085752, 29394989). These data indicate that replacing aspartic acid with glutamic acid at this codon position is disease-causing. Based on the available evidence, this variant is classified as Pathogenic.

Sharing Clinical Reports Project (SCRP)
Classification: Pathogenic for Breast-ovarian cancer, familial 2. Last evaluated: 2013-07-17. Review status: no assertion criteria provided. Collection method: clinical testing. Allele origin: germline. Not counted in ClinVar's aggregate classification.

Literature cited by the submitters: PubMed 17924331 (cited by Labcorp Genetics (formerly Invitae), Labcorp); PubMed 18451181 (cited by Labcorp Genetics (formerly Invitae), Labcorp); PubMed 18951446 (cited by Labcorp Genetics (formerly Invitae), Labcorp); PubMed 21990134 (cited by Labcorp Genetics (formerly Invitae), Labcorp); PubMed 22678057 (cited by Labcorp Genetics (formerly Invitae), Labcorp); PubMed 23108138 (cited by Labcorp Genetics (formerly Invitae), Labcorp); PubMed 33609447 (cited by Labcorp Genetics (formerly Invitae), Labcorp); PubMed 32444794 (cited by Labcorp Genetics (formerly Invitae), Labcorp).

NM_000059.4(BRCA2):c.9285C>A (p.Asp3095Glu)

Gene: BRCA2 (BRCA2 DNA repair associated; plus strand). Cytogenetic location: 13q13.1.
Variant type: single nucleotide variant.
Coding change: c.9285C>A on transcript NM_000059.4 (MANE Select); coding-DNA position 9285, C replaced by A.
Protein change: p.Asp3095Glu; replaces aspartic acid 3095 with glutamic acid.
Molecular consequence: missense variant.
Genome position (GRCh38, 1-based): chr13:32,394,717, C>A. VCF-style: chr13-32394717-C-A. GRCh37 (hg19) VCF-style: chr13-32968854-C-A.
Other names: 9513C>A; short protein forms D3095E.
Identifiers: ClinVar variation 252859 (VCV000252859.18), dbSNP rs80359198, ClinGen allele CA10586089.
Genomic context (GRCh38, chr13:32,394,717, plus strand): 5'-AATAACATTCTTTTCTTTTTTTTCCATTCTAGGACTTGCCCCTTTCGTCTATTTGTCAGA[C>A]GAATGTTACAATTTACTGGCAATAAAGTTTTGGATAGACCTTAATGAGGACATTATTAAG-3'
Protein context (NP_000050.3, residues 3085-3105): TGLAPFVYLS[Asp3095Glu]ECYNLLAIKF